The following is an entry in ClinVar:

NM_000135.4(FANCA):c.1715+3_1715+13del

Gene: FANCA (FA complementation group A; minus strand). Cytogenetic location: 16q24.3.
Variant type: Deletion.
Coding change: c.1715+3_1715+13del on transcript NM_000135.4 (MANE Select); bases 3 to 13 of the intron after coding-DNA position 1715, 11 bases deleted (AGGCTGGGCTG).
Molecular consequence: intron variant.
Genome position (GRCh38, 1-based): chr16:89,779,856-89,779,866, CAGCCCAGCCT deleted on the plus strand (AGGCTGGGCTG on the coding strand, the reverse complement: FANCA is on the minus strand). VCF-style (leftmost placement, unchanged base first): chr16-89779855-GCAGCCCAGCCT-G. GRCh37 (hg19) VCF-style: chr16-89846263-GCAGCCCAGCCT-G.
Other names: c.1715+3_1715+13del (NM_001286167.3).
Identifiers: ClinVar variation 1064630 (VCV001064630.3), dbSNP rs2143432038, ClinGen allele CA2499223851.

ClinVar aggregate classification (germline): Likely pathogenic (1 of 4 stars; one submission).

Conditions:
Fanconi anemia complementation group A (FANCA). Also called: FANCA-Related Fanconi Anemia; Fanconi anemia, group A. Identifiers: Orphanet 84, MedGen C3469521, MONDO:0009215, OMIM 227650.

Submission:

Kids Neuroscience Centre, Sydney Children's Hospitals Network
Classification: Likely pathogenic for Fanconi anemia complementation group A. Review status: criteria provided, single submitter. Criteria: Bournazos AM et al. (Genet Med 2021). Collection method: clinical testing. Allele origin: unknown. Inheritance: Autosomal recessive inheritance. Affected: yes. Observed: 2 compound heterozygotes.
Comment: We detect two abnormal splicing events: (1) Exon 18 skipping (r.1627_1715del). This event causes a frameshift encoding 25 missense amino acids and a premature termination codon (p.(Pro543Hisfs*26)). These transcripts are predicted to be targeted by nonsensemediated decay (NMD). Any mis-spliced transcripts that escape NMD encode FANCA protein lacking 913 amino acids from the C-terminus, including the Fanconi anaemia group A protein domain, (2) Use of a cryptic 5’-splice site (r.1715_1716ins[1715+1_1715+258]). This event causes a frameshift encoding 72 missense amino acids and a premature termination codon (p.(Ser572Argfs*73)). These transcripts are predicted to be targeted by NMD. Any mis-spliced transcripts that escape NMD encode FANCA protein lacking 884 amino acids from the C-terminus, including the Fanconi anaemia group A protein domain.